The following is an entry in ClinVar:

ClinVar aggregate classification (germline): Uncertain significance. Review status: criteria provided, multiple submitters, no conflicts (2 of 4 stars). 3 submissions from 3 submitters: Uncertain significance (3). Last evaluated 2023-04-25.

Conditions:
Inborn genetic diseases. Identifiers: MedGen C0950123, MeSH D030342.
Bethlem myopathy 2 (BTHLM2). Identifiers: Orphanet 536516, Orphanet 610, MedGen C4225313, MONDO:0034022, OMIM 616471.
Ullrich congenital muscular dystrophy 2 (UCMD2). Identifiers: Orphanet 75840, MedGen C4225314, MONDO:0014654, OMIM 616470.

Allele frequency attached by ClinVar (database versions not stated): gnomAD exomes below 0.00001.
gnomAD v4.1: 1 of 1,614,100 alleles (0.000062%); highest among the groups gnomAD compares: Non-Finnish European, 0.000085%; no homozygotes.

Submissions (3):

Ambry Genetics
Classification: Uncertain significance for Inborn genetic diseases. Last evaluated: 2023-04-25. Review status: criteria provided, single submitter. Criteria: Ambry Variant Classification Scheme 2023. Collection method: clinical testing. Allele origin: germline.

Labcorp Genetics (formerly Invitae), Labcorp
Classification: Uncertain significance for Bethlem myopathy 2; Ullrich congenital muscular dystrophy 2. Last evaluated: 2023-01-20. Review status: criteria provided, single submitter. Criteria: Invitae Variant Classification Sherloc (09022015). Collection method: clinical testing. Allele origin: germline.
Comment: This variant is not present in population databases (gnomAD no frequency). This sequence change replaces alanine, which is neutral and non-polar, with threonine, which is neutral and polar, at codon 809 of the COL12A1 protein (p.Ala809Thr). In summary, the available evidence is currently insufficient to determine the role of this variant in disease. Therefore, it has been classified as a Variant of Uncertain Significance. Advanced modeling of protein sequence and biophysical properties (such as structural, functional, and spatial information, amino acid conservation, physicochemical variation, residue mobility, and thermodynamic stability) performed at Invitae indicates that this missense variant is not expected to disrupt COL12A1 protein function. This variant has not been reported in the literature in individuals affected with COL12A1-related conditions.

Revvity Omics, Revvity
Classification: Uncertain significance. Last evaluated: 2020-02-12. Review status: criteria provided, single submitter. Criteria: ACMG Guidelines, 2015. Collection method: clinical testing. Allele origin: germline.

NM_004370.6(COL12A1):c.2425G>A (p.Ala809Thr)

Gene: COL12A1 (collagen type XII alpha 1 chain; minus strand). Cytogenetic location: 6q13.
Variant type: single nucleotide variant.
Coding change: c.2425G>A on transcript NM_004370.6 (MANE Select); coding-DNA position 2425, G replaced by A.
Protein change: p.Ala809Thr; replaces alanine 809 with threonine.
Molecular consequence: missense variant. On other transcripts: intron variant (1).
Genome position (GRCh38, 1-based): chr6:75,177,675, C>T on the plus strand (G>A on the coding strand, the complement: COL12A1 is on the minus strand). VCF-style: chr6-75177675-C-T. GRCh37 (hg19) VCF-style: chr6-75887391-C-T.
Other names: c.73+25045G>A (NM_080645.3); short protein forms A809T.
Identifiers: ClinVar variation 2440248 (VCV002440248.8), dbSNP rs2533532693, ClinGen allele CA364763477.